The following is an entry in ClinVar:

NM_147127.5(EVC2):c.2898G>A (p.Ser966=)

Gene: EVC2 (EvC ciliary complex subunit 2; minus strand). Cytogenetic location: 4p16.2.
Variant type: single nucleotide variant.
Coding change: c.2898G>A on transcript NM_147127.5 (MANE Select); coding-DNA position 2898, G replaced by A.
Protein change: p.Ser966=; no amino-acid change (serine 966 retained).
Molecular consequence: synonymous variant.
Genome position (GRCh38, 1-based): chr4:5,584,782, C>T on the plus strand (G>A on the coding strand, the complement: EVC2 is on the minus strand). VCF-style: chr4-5584782-C-T. GRCh37 (hg19) VCF-style: chr4-5586509-C-T.
Other names: c.2898G>A (NM_147127.4); c.2658G>A, p.Ser886= (NM_001166136.2).
Identifiers: ClinVar variation 1102017 (VCV001102017.12), dbSNP rs150055324, ClinGen allele CA2834529.
Genomic context (GRCh38, chr4:5,584,782, plus strand): 5'-GGTGTAGGCCGACAGAGTCTCGGTCACCCGGGACGCCTTCTGGAACTGCAGAGCAACAAG[C>T]GACTGTGCAAAGCCTCCCTCCTGTGCCTCCATCCGCTGCACTCTCTCCCGCAGCAATTCA-3'
Protein context (NP_667338.3, residues 956-976): MEAQEGGFAQ[Ser966=]LVALQFQKAS

ClinVar aggregate classification (germline): Likely benign. Review status: criteria provided, single submitter (1 of 4 stars). 2 submissions from 2 submitters: Likely benign (1). 1 of the submissions does not count toward it. Last evaluated 2026-01-05.

Conditions:
EVC2-related disorder. Also called: EVC2-related condition.
Ellis-van Creveld syndrome (EVC). Also called: Chondroectodermal dysplasia; EVC-Related Ellis-van Creveld Syndrome; EVC2-Related Ellis-van Creveld Syndrome; MESOECTODERMAL DYSPLASIA. Identifiers: Orphanet 289, MedGen C0013903, MONDO:0009162, OMIM 225500.
Curry-Hall syndrome (WAD). Also called: WEYERS ACRODENTAL DYSOSTOSIS. Identifiers: Orphanet 952, MedGen C0457013, MONDO:0008673, OMIM 193530.

Allele frequency attached by ClinVar (database versions not stated): ExAC 0.00010; gnomAD exomes 0.00010; gnomAD 0.00024 and 0.00025; TOPMed 0.00031; ESP Exome Variant Server 0.00038; 1000 Genomes Project 0.00040; 1000 Genomes Project 30x 0.00062.
gnomAD v4.1: 121 of 1,614,142 alleles (0.0075%); highest among the groups gnomAD compares: African/African-American, 0.095%; no homozygotes.

Submissions (2):

Labcorp Genetics (formerly Invitae), Labcorp
Classification: Likely benign for Curry-Hall syndrome; Ellis-van Creveld syndrome. Last evaluated: 2026-01-05. Review status: criteria provided, single submitter. Criteria: Invitae Variant Classification Sherloc (09022015). Collection method: clinical testing. Allele origin: germline.

PreventionGenetics, part of Exact Sciences
Classification: Likely benign for EVC2-related condition. Last evaluated: 2023-01-20. Review status: no assertion criteria provided. Collection method: clinical testing. Allele origin: germline. Not counted in ClinVar's aggregate classification.
Comment: This variant is classified as likely benign based on ACMG/AMP sequence variant interpretation guidelines (Richards et al. 2015 PMID: 25741868, with internal and published modifications).